The following is an entry in ClinVar:

ClinVar aggregate classification (germline): Uncertain significance (1 of 4 stars; one submission).

Conditions:
Cardiovascular phenotype. Identifiers: MedGen CN230736.

Submission:

Ambry Genetics
Classification: Uncertain significance for Cardiovascular phenotype. Last evaluated: 2022-12-25. Review status: criteria provided, single submitter. Criteria: Ambry Variant Classification Scheme 2023. Collection method: clinical testing. Allele origin: germline.
Comment: The p.F359L variant (also known as c.1075T>C), located in coding exon 7 of the LMF1 gene, results from a T to C substitution at nucleotide position 1075. The phenylalanine at codon 359 is replaced by leucine, an amino acid with highly similar properties. This amino acid position is conserved. In addition, this alteration is predicted to be tolerated by in silico analysis. Since supporting evidence is limited at this time, the clinical significance of this alteration remains unclear.

NM_022773.4(LMF1):c.1075T>C (p.Phe359Leu)

Gene: LMF1 (lipase maturation factor 1; minus strand). Cytogenetic location: 16p13.3.
Variant type: single nucleotide variant.
Coding change: c.1075T>C on transcript NM_022773.4 (MANE Select); coding-DNA position 1075, T replaced by C.
Protein change: p.Phe359Leu; replaces phenylalanine 359 with leucine.
Molecular consequence: missense variant. On other transcripts: non-coding transcript variant (1).
Genome position (GRCh38, 1-based): chr16:871,164, A>G on the plus strand (T>C on the coding strand, the complement: LMF1 is on the minus strand). VCF-style: chr16-871164-A-G. GRCh37 (hg19) VCF-style: chr16-921164-A-G.
Other names: c.424T>C, p.Phe142Leu (NM_001352017.2, NM_001352021.2); c.676T>C, p.Phe226Leu (NM_001352018.2); c.748T>C, p.Phe250Leu (NM_001352019.2); c.1075T>C, p.Phe359Leu (NM_001352020.1); short protein forms F142L, F226L, F250L, F359L.
Identifiers: ClinVar variation 2451801 (VCV002451801.2), dbSNP rs2544498113, ClinGen allele CA394126984.